The following is an entry in ClinVar:

ClinVar aggregate classification (germline): Uncertain significance (1 of 4 stars; one submission).

Conditions:
Adenylosuccinate lyase deficiency (ADSLD). Also called: ADSL DEFICIENCY. Identifiers: Orphanet 46, MedGen C0268126, MONDO:0007068, OMIM 103050.

Allele frequency attached by ClinVar (database versions not stated): gnomAD 0.00001; TOPMed 0.00001.

Submission:

Labcorp Genetics (formerly Invitae), Labcorp
Classification: Uncertain significance for Adenylosuccinate lyase deficiency. Last evaluated: 2024-02-24. Review status: criteria provided, single submitter. Criteria: Invitae Variant Classification Sherloc (09022015). Collection method: clinical testing. Allele origin: germline.
Comment: This variant occurs in a non-coding region of the ADSL gene. It does not change the encoded amino acid sequence of the ADSL protein. This variant is not present in population databases (gnomAD no frequency). This variant has not been reported in the literature in individuals affected with ADSL-related conditions. Experimental studies and prediction algorithms are not available or were not evaluated, and the functional significance of this variant is currently unknown. In summary, the available evidence is currently insufficient to determine the role of this variant in disease. Therefore, it has been classified as a Variant of Uncertain Significance.

NC_000022.11:g.40345624A>C

Gene: ADSL (adenylosuccinate lyase; plus strand). Cytogenetic location: 22q13.1.
Variant type: single nucleotide variant.
Genome position: GRCh38 VCF-style: chr22-40345624-A-C. GRCh37 (hg19) VCF-style: chr22-40741628-A-C.
Identifiers: ClinVar variation 1487093 (VCV001487093.7), dbSNP rs1178062153, ClinGen allele CA753179552.